The following is an entry in ClinVar:

NM_025243.4(SLC19A3):c.1463G>C (p.Ser488Thr)

Gene: SLC19A3 (solute carrier family 19 member 3; minus strand). Cytogenetic location: 2q36.3.
Variant type: single nucleotide variant.
Coding change: c.1463G>C on transcript NM_025243.4 (MANE Select); coding-DNA position 1463, G replaced by C.
Protein change: p.Ser488Thr; replaces serine 488 with threonine.
Molecular consequence: missense variant.
Genome position (GRCh38, 1-based): chr2:227,687,425, C>G on the plus strand (G>C on the coding strand, the complement: SLC19A3 is on the minus strand). VCF-style: chr2-227687425-C-G. GRCh37 (hg19) VCF-style: chr2-228552141-C-G.
Other names: c.1463G>C, p.Ser488Thr (NM_001371411.1, NM_001371412.1); c.1451G>C, p.Ser484Thr (NM_001371413.1, NM_001371414.1); short protein forms S484T, S488T.
Identifiers: ClinVar variation 841842 (VCV000841842.14), dbSNP rs540774490, ClinGen allele CA2149072.
Genomic context (GRCh38, chr2:227,687,425, plus strand): 5'-TGAAAGCCACTGTTGCGTTTGTTGCGATGAGGTTAGAGTTTTGTTGACATGATGATATTA[C>G]TCTCTTCCTCTGGGTGAGACACATCTGGATTCTCACTTGGAGCAGGGCTCTGTACATCCT-3'
Protein context (NP_079519.1, residues 478-496): NPDVSHPEEE[Ser488Thr]NIIMSTKL

ClinVar aggregate classification (germline): Uncertain significance. Review status: criteria provided, multiple submitters, no conflicts (2 of 4 stars). 3 submissions from 3 submitters: Uncertain significance (3). Last evaluated 2024-09-09.

Conditions:
Biotin-responsive basal ganglia disease (BTBGD). Also called: Thiamine Transporter-2 Deficiency; thiamine-responsive encephalopathy; THIAMINE METABOLISM DYSFUNCTION SYNDROME 2 (BIOTIN- AND THIAMINE-RESPONSIVE TYPE); Thiamine metabolism dysfunction syndrome 2 (biotin- or thiamine-responsive encephalopathy type 2); Thiamine metabolism dysfunction syndrome type 2. Identifiers: Orphanet 199348, Orphanet 65284, MedGen C1843807, MONDO:0011841, OMIM 607483.

Allele frequency attached by ClinVar (database versions not stated): gnomAD exomes below 0.00001 and 0.00001; ExAC 0.00001; gnomAD 0.00001 and 0.00002; TOPMed 0.00001.
gnomAD v4.1: 16 of 1,613,252 alleles (0.00099%); highest among the groups gnomAD compares: Middle Eastern, 0.05%; no homozygotes.

Submissions (3):

Labcorp Genetics (formerly Invitae), Labcorp
Classification: Uncertain significance for Biotin-responsive basal ganglia disease. Last evaluated: 2024-09-09. Review status: criteria provided, single submitter. Criteria: Invitae Variant Classification Sherloc (09022015). Collection method: clinical testing. Allele origin: germline.
Comment: This sequence change replaces serine, which is neutral and polar, with threonine, which is neutral and polar, at codon 488 of the SLC19A3 protein (p.Ser488Thr). This variant is present in population databases (rs540774490, gnomAD 0.0009%). This variant has not been reported in the literature in individuals affected with SLC19A3-related conditions. ClinVar contains an entry for this variant (Variation ID: 841842). Invitae Evidence Modeling of protein sequence and biophysical properties (such as structural, functional, and spatial information, amino acid conservation, physicochemical variation, residue mobility, and thermodynamic stability) indicates that this missense variant is not expected to disrupt SLC19A3 protein function with a negative predictive value of 95%. In summary, the available evidence is currently insufficient to determine the role of this variant in disease. Therefore, it has been classified as a Variant of Uncertain Significance.

GeneDx
Classification: Uncertain significance. Last evaluated: 2022-08-04. Review status: criteria provided, single submitter. Criteria: GeneDx Variant Classification Process June 2021. Collection method: clinical testing. Allele origin: germline. Affected: yes.
Comment: Not observed at significant frequency in large population cohorts (gnomAD); In silico analysis supports that this missense variant does not alter protein structure/function; Has not been previously published as pathogenic or benign to our knowledge

Illumina Laboratory Services, Illumina
Classification: Uncertain significance for Biotin-responsive basal ganglia disease. Last evaluated: 2018-01-13. Review status: criteria provided, single submitter. Criteria: ICSL Variant Classification Criteria 13 December 2019. Collection method: clinical testing. Allele origin: germline.